The following is an entry in ClinVar:

NM_177438.3(DICER1):c.5038A>G (p.Lys1680Glu)

Gene: DICER1 (dicer 1, ribonuclease III; minus strand). Cytogenetic location: 14q32.13.
Variant type: single nucleotide variant.
Coding change: c.5038A>G on transcript NM_177438.3 (MANE Select); coding-DNA position 5038, A replaced by G.
Protein change: p.Lys1680Glu; replaces lysine 1680 with glutamic acid.
Molecular consequence: missense variant.
Genome position (GRCh38, 1-based): chr14:95,095,882, T>C on the plus strand (A>G on the coding strand, the complement: DICER1 is on the minus strand). VCF-style: chr14-95095882-T-C. GRCh37 (hg19) VCF-style: chr14-95562219-T-C.
Other names: NM_177438.3(DICER1):c.5038A>G; p.Lys1680Glu; c.5038A>G, p.Lys1680Glu (NM_001195573.1, NM_001271282.3, NM_001291628.2 and 1 more transcripts); short protein forms K1680E.
Identifiers: ClinVar variation 412143 (VCV000412143.20), dbSNP rs1060503639, ClinGen allele CA16614163.
Genomic context (GRCh38, chr14:95,095,882, plus strand): 5'-TACCAGTGATAGTATTGTAGTGGTAGGAGGCATGTGTAAAAGCCTGGAGAAGGTAAGCCT[T>C]ATTCTTGAATCTGTAGTTGATTTTCTTTTCAAAATTTTCAAACCCCGATATAAGGTGATT-3'
Protein context (NP_803187.1, residues 1670-1690): EKKINYRFKN[Lys1680Glu]AYLLQAFTHA

ClinVar aggregate classification (germline): Uncertain significance. Review status: reviewed by expert panel (3 of 4 stars). 6 submissions from 6 submitters: Uncertain significance (1). 5 of the submissions do not count toward it. Last evaluated 2026-06-23.

Conditions:
DICER1-related tumor predisposition. Also called: DICER1 syndrome; DICER1-related pleuropulmonary blastoma cancer predisposition syndrome. Identifiers: Orphanet 284343, MedGen C3839822, MONDO:0100216.
Hereditary cancer-predisposing syndrome. Also called: Hereditary Cancer Syndrome; Tumor predisposition; Hereditary neoplastic syndrome; Neoplastic Syndromes, Hereditary. Identifiers: Orphanet 140162, MedGen C0027672, MeSH D009386, MONDO:0015356.
Pleuropulmonary blastoma (PPB). Identifiers: Orphanet 64742, MedGen C1266144, MONDO:0011014, OMIM 601200, HP:0100528.

Allele frequency attached by ClinVar (database versions not stated): gnomAD exomes below 0.00001.
gnomAD v4.1: 5 of 1,614,232 alleles (0.00031%); highest among the groups gnomAD compares: Non-Finnish European, 0.00017%; no homozygotes.

Submissions (6):

ClinGen DICER1 and miRNA-Processing Gene Variant Curation Expert Panel, ClinGen
Classification: Uncertain significance for DICER1-related tumor predisposition. Last evaluated: 2026-06-23. Review status: reviewed by expert panel. Criteria: ClinGen DICER1 ACMG Specifications DICER1 V1.4.0. Collection method: curation. Allele origin: germline. Inheritance: Autosomal dominant inheritance.
Comment: The NM_177438.2:c.5038A>G (p.Lys1680Glu) variant in DICER1 is a missense variant predicted to replace lysine with glutamic acid at codon 1680 (p.Lys1680Glu). This variant has been seen in 10 or more unrelated females without tumors through age 50 in at least one testing laboratory (BS2_Supporting; Internal lab data). The total allele frequency in gnomAD v4.1.0 is 0.000003420 (5/1461878 alleles) with highest population minor allele frequencies of 0.00004967 (3/60396 alleles) and 0.000001799 (2/1111996) in a population of undescribed ancestry and the European (non-Finnish) population, respectively (PM2_Supporting, BS1, and BA1 are not met). The computational predictor REVEL gives a score of 0.697, which is neither above nor below the thresholds predicting a damaging or benign impact on DICER1 function (PP3 and BP4 not met). In summary, this variant meets the criteria to be classified as Uncertain Significance for DICER1-related tumor predisposition based on the ACMG/AMP criteria applied, as specified by the ClinGen DICER1 VCEP: BS2_Supporting. (Bayesian Points: -1; VCEP specifications version 1.4.0; 06/23/2026)

Labcorp Genetics (formerly Invitae), Labcorp
Classification: Uncertain significance for DICER1-related tumor predisposition. Last evaluated: 2026-01-04. Review status: criteria provided, single submitter. Criteria: Invitae Variant Classification Sherloc (09022015). Collection method: clinical testing. Allele origin: germline. Not counted in ClinVar's aggregate classification.
Comment: This sequence change replaces lysine, which is basic and polar, with glutamic acid, which is acidic and polar, at codon 1680 of the DICER1 protein (p.Lys1680Glu). This variant is present in population databases (no rsID available, gnomAD 0.0009%). This missense change has been observed in individual(s) with unspecified cancer (PMID: 28873162). ClinVar contains an entry for this variant (Variation ID: 412143). Invitae Evidence Modeling of protein sequence and biophysical properties (such as structural, functional, and spatial information, amino acid conservation, physicochemical variation, residue mobility, and thermodynamic stability) has been performed for this missense variant. However, the output from this modeling did not meet the statistical confidence thresholds required to predict the impact of this variant on DICER1 protein function. In summary, the available evidence is currently insufficient to determine the role of this variant in disease. Therefore, it has been classified as a Variant of Uncertain Significance.

Center for Genomic Medicine, Rigshospitalet, Copenhagen University Hospital
Classification: Uncertain significance. Last evaluated: 2025-03-04. Review status: criteria provided, single submitter. Criteria: ACMG Guidelines, 2015. Collection method: clinical testing. Allele origin: germline. Not counted in ClinVar's aggregate classification.

Ambry Genetics
Classification: Uncertain significance for Hereditary cancer-predisposing syndrome. Last evaluated: 2024-01-10. Review status: criteria provided, single submitter. Criteria: Ambry Variant Classification Scheme 2023. Collection method: clinical testing. Allele origin: germline. Not counted in ClinVar's aggregate classification.
Comment: The p.K1680E variant (also known as c.5038A>G), located in coding exon 22 of the DICER1 gene, results from an A to G substitution at nucleotide position 5038. The lysine at codon 1680 is replaced by glutamic acid, an amino acid with similar properties. This amino acid position is highly conserved in available vertebrate species. In addition, this alteration is predicted to be deleterious by in silico analysis. Since supporting evidence is limited at this time, the clinical significance of this alteration remains unclear.

GeneDx
Classification: Uncertain significance. Last evaluated: 2023-11-10. Review status: criteria provided, single submitter. Criteria: GeneDx Variant Classification Process June 2021. Collection method: clinical testing. Allele origin: germline. Affected: yes. Not counted in ClinVar's aggregate classification.
Comment: Not observed at significant frequency in large population cohorts (gnomAD); In silico analysis supports that this missense variant has a deleterious effect on protein structure/function; Observed in at least one individual with advanced cancer undergoing multigene hereditary cancer panel testing (PMID: 28873162); This variant is associated with the following publications: (PMID: 28873162)

Sema4
Classification: Uncertain significance for Hereditary cancer-predisposing syndrome. Last evaluated: 2021-09-25. Review status: criteria provided, single submitter. Criteria: Sema4 Curation Guidelines. Collection method: curation. Allele origin: germline. Not counted in ClinVar's aggregate classification.
Comment: The DICER1 c.5038A>G (p.K1680E) variant has been reported in at least one individual with an unspecified cancer (PMID: 28873162). It was observed in 1/113648 chromosomes of the Non-Finnish European subpopulation in the large and broad cohorts of the Genome Aggregation Database (PMID: 32461654). The variant has been reported in ClinVar (Variation ID: 412143). Functional studies have not been performed, and in silico predictions of the variant's effect on protein function are inconclusive. The evidence is insufficient to meet ACMG/AMP criteria for classifying the variant as benign or pathogenic. Thus, the clinical significance of this variant is currently uncertain.

Literature cited by the submitters: PubMed 28873162 (cited by Labcorp Genetics (formerly Invitae), Labcorp and Sema4).